The following is an entry in ClinVar:

NM_002875.5(RAD51):c.225+601del

Gene: RAD51 (RAD51 recombinase; plus strand). Cytogenetic location: 15q15.1.
Variant type: Deletion.
Coding change: c.225+601del on transcript NM_002875.5 (MANE Select); 601 bases into the intron after coding-DNA position 225, one base deleted (T; older notation c.225+601delT).
Molecular consequence: intron variant.
Genome position (GRCh38, 1-based): chr15:40,701,802, T deleted; the last of 26 consecutive T bases (chr15:40,701,777-40,701,802); deleting any one gives the same sequence. VCF-style (leftmost placement, unchanged base first): chr15-40701776-AT-A. GRCh37 (hg19) VCF-style: chr15-40993974-AT-A.
Other names: c.226-4del (NM_133487.4, NM_001164269.2); c.225+601del (NM_001164270.2).
Identifiers: ClinVar variation 3042565 (VCV003042565.2), dbSNP rs35383252, ClinGen allele CA268839225.

ClinVar aggregate classification (germline): Likely benign (0 of 4 stars; one submission).

Conditions:
RAD51-related disorder. Also called: RAD51-related disorders; RAD51-related condition.

Submission:

PreventionGenetics, part of Exact Sciences
Classification: Likely benign for RAD51-related condition. Last evaluated: 2023-07-10. Review status: no assertion criteria provided. Collection method: clinical testing. Allele origin: germline.
Comment: This variant is classified as likely benign based on ACMG/AMP sequence variant interpretation guidelines (Richards et al. 2015 PMID: 25741868, with internal and published modifications).